The following is an entry in ClinVar:

NM_003000.3(SDHB):c.764del (p.Lys255fs)

Gene: SDHB (succinate dehydrogenase complex iron sulfur subunit B; minus strand). Cytogenetic location: 1p36.13.
Variant type: Deletion.
Coding change: c.764del on transcript NM_003000.3 (MANE Select); coding-DNA position 764, one base deleted (A; older notation c.764delA).
Protein change: p.Lys255fs; shifts the reading frame from lysine 255.
Molecular consequence: frameshift variant.
Genome position (GRCh38, 1-based): chr1:17,022,609, T deleted on the plus strand (A on the coding strand, the reverse complement: SDHB is on the minus strand); the first of 2 consecutive T bases (chr1:17,022,609-17,022,610); deleting either gives the same sequence. VCF-style (leftmost placement, unchanged base first): chr1-17022608-CT-C. GRCh37 (hg19) VCF-style: chr1-17349103-CT-C.
Other names: c.710del, p.Lys237fs (NM_001407361.1); c.764delA (NM_003000.2); short protein forms K255fs, K237fs.
Identifiers: ClinVar variation 4161253 (VCV004161253.3).
Genomic context (GRCh38, chr1:17,022,608, plus strand): 5'-ACATGCTACTTCTGGCGTGTCAGCTCTGAGGCAGAGCTGAGGGTCACCAGCCCCACGTAC[CT>C]TAGGACAGGTCCTTGTGCAGTTCATGATGGTGTGGCAGCGGTATAGAGAGAATGGGTCCT-3'

ClinVar aggregate classification (germline): Pathogenic. Review status: criteria provided, multiple submitters, no conflicts (2 of 4 stars). 2 submissions from 2 submitters: Pathogenic (2). Last evaluated 2025-10-23.

Conditions:
Pheochromocytoma. Also called: MAX-Related Hereditary Paraganglioma-Pheochromocytoma Syndrome. Identifiers: Orphanet 29072, MedGen C0031511, MONDO:0008233, OMIM 171300, HP:0002666.
Gastrointestinal stromal tumor. Also called: Gastrointestinal stromal tumor, somatic; Gastrointestinal stroma tumor. Identifiers: Orphanet 44890, MedGen C0238198, MeSH D046152, MONDO:0011719, OMIM 606764, HP:0100723.
Pheochromocytoma/paraganglioma syndrome 4. Also called: CAROTID BODY TUMORS AND MULTIPLE EXTRAADRENAL PHEOCHROMOCYTOMAS; PARAGANGLIOMA, FAMILIAL MALIGNANT; PARAGANGLIOMAS, HEREDITARY EXTRAADRENAL; PHEOCHROMOCYTOMA, FAMILIAL EXTRAADRENAL; Paragangliomas 4; SDHB-Related Hereditary Paraganglioma-Pheochromocytoma Syndrome (Paragangliomas 4). Identifiers: Orphanet 29072, MedGen C1861848, MONDO:0007273, OMIM 115310.
Hereditary cancer-predisposing syndrome. Also called: Neoplastic Syndromes, Hereditary; Tumor predisposition; Hereditary Cancer Syndrome; Hereditary neoplastic syndrome. Identifiers: Orphanet 140162, MedGen C0027672, MeSH D009386, MONDO:0015356.

Submissions (2):

Ambry Genetics
Classification: Pathogenic for Hereditary cancer-predisposing syndrome. Last evaluated: 2025-10-23. Review status: criteria provided, single submitter. Criteria: Ambry Variant Classification Scheme 2023. Collection method: clinical testing. Allele origin: germline.
Comment: The c.764delA pathogenic mutation, located in coding exon 7 of the SDHB gene, results from a deletion of one nucleotide at nucleotide position 764, causing a translational frameshift with a predicted alternate stop codon (p.K255Rfs*3). This alteration occurs at the 3' terminus of the gene, is not expected to trigger nonsense-mediated mRNA decay, and impacts the last 9.3% of the protein. However, premature stop codons are typically deleterious in nature, and the impacted region is critical for protein function (Ambry internal data). This variant is considered to be rare based on population cohorts in the Genome Aggregation Database (gnomAD). Based on the supporting evidence, this variant is interpreted as a disease-causing mutation.

Labcorp Genetics (formerly Invitae), Labcorp
Classification: Pathogenic for Gastrointestinal stromal tumor; Pheochromocytoma/paraganglioma syndrome 4; Pheochromocytoma. Last evaluated: 2025-06-29. Review status: criteria provided, single submitter. Criteria: Invitae Variant Classification Sherloc (09022015). Collection method: clinical testing. Allele origin: germline.
Comment: This sequence change creates a premature translational stop signal (p.Lys255Argfs*3) in the SDHB gene. While this is not anticipated to result in nonsense mediated decay, it is expected to disrupt the last 26 amino acid(s) of the SDHB protein. This variant is not present in population databases (gnomAD no frequency). This variant has not been reported in the literature in individuals affected with SDHB-related conditions. This variant disrupts a region of the SDHB protein in which other variant(s) (p.Ile263Serfs*13) have been determined to be pathogenic (internal data). This suggests that this is a clinically significant region of the protein, and that variants that disrupt it are likely to be disease-causing. For these reasons, this variant has been classified as Pathogenic.